The following is an entry in ClinVar:

Conditions:
Breast-ovarian cancer, familial, susceptibility to, 1 (BROVCA1). Also called: BRCA1 Hereditary Breast and Ovarian Cancer; OVARIAN CANCER, SUSCEPTIBILITY TO. Identifiers: Orphanet 145, MedGen C2676676, MONDO:0011450, OMIM 604370. Disease mechanism: loss of function.

Submission:

Brotman Baty Institute, University of Washington
No classification provided (evidence only). Condition: Breast-ovarian cancer, familial 1. Review status: no classification provided. Collection method: in vitro. Allele origin: not applicable. Functional consequence: functionally_normal.
ClinVar note: "not provided" was previously submitted as the classification for the variant. However, the classification appeared to be based only on an observation of functional data so it was converted to no classification on 2025-07-30.

NM_007294.4(BRCA1):c.5406+10G>C

Gene: BRCA1 (BRCA1 DNA repair associated; minus strand). Cytogenetic location: 17q21.31.
Variant type: single nucleotide variant.
Coding change: c.5406+10G>C on transcript NM_007294.4 (MANE Select); 10 bases into the intron after coding-DNA position 5406, G replaced by C.
Molecular consequence: intron variant.
Genome position (GRCh38, 1-based): chr17:43,049,111, C>G on the plus strand (G>C on the coding strand, the complement: BRCA1 is on the minus strand). VCF-style: chr17-43049111-C-G. GRCh37 (hg19) VCF-style: chr17-41201128-C-G.
Other names: c.5400+10G>C (NM_001407635.1, NM_001407640.1, NM_001407631.1 and 13 more transcripts); c.5403+10G>C (NM_001407614.1, NM_001407626.1, NM_001407617.1 and 14 more transcripts); c.5469+10G>C (NM_001407587.1, NM_001407585.1, NM_007300.4 and 1 more transcripts); c.1857+10G>C (NM_001408494.1); c.1971+10G>C (NM_001408444.1, NM_001408438.1, NM_001408432.1 and 10 more transcripts); c.1974+10G>C (NM_001408430.1, NM_001408427.1, NM_001408431.1 and 4 more transcripts); c.5277+10G>C (NM_001407682.1, NM_001407689.1, NM_001407681.1 and 5 more transcripts); c.5280+10G>C (NM_001407676.1, NM_001407679.1, NM_001407670.1 and 8 more transcripts); and 84 more.
Identifiers: ClinVar variation 868061 (VCV000868061.3), dbSNP rs2051069733, ClinGen allele CA916080829.